The following is an entry in ClinVar:

NM_000302.4(PLOD1):c.1657C>G (p.Pro553Ala)

Gene: PLOD1 (procollagen-lysine,2-oxoglutarate 5-dioxygenase 1; plus strand). Cytogenetic location: 1p36.22.
Variant type: single nucleotide variant.
Coding change: c.1657C>G on transcript NM_000302.4 (MANE Select); coding-DNA position 1657, C replaced by G.
Protein change: p.Pro553Ala; replaces proline 553 with alanine.
Molecular consequence: missense variant.
Genome position (GRCh38, 1-based): chr1:11,966,993, C>G. VCF-style: chr1-11966993-C-G. GRCh37 (hg19) VCF-style: chr1-12027050-C-G.
Other names: c.1798C>G, p.Pro600Ala (NM_001316320.2); short protein forms P553A, P600A.
Identifiers: ClinVar variation 2698810 (VCV002698810.3), dbSNP rs2522861871, ClinGen allele CA338447401.
Genomic context (GRCh38, chr1:11,966,993, plus strand): 5'-AGGATTCTGTGGTGCCACTGTGGACCCCCTTGACTGAGTCCCTGCCCTCCCCAGCCCTGC[C>G]CGGATGTCTATTGGTTCCCCATCTTCACGGAGGTGGCCTGTGATGAGCTGGTGGAGGAGA-3'
Protein context (NP_000293.2, residues 543-563): LAGKLVETPC[Pro553Ala]DVYWFPIFTE

ClinVar aggregate classification (germline): Uncertain significance (1 of 4 stars; one submission).

Conditions:
Ehlers-Danlos syndrome, kyphoscoliotic type 1 (EDSKSCL1). Also called: Ehlers-Danlos syndrome, hydroxylysine-deficient; EHLERS-DANLOS SYNDROME, OCULAR-SCOLIOTIC TYPE; EHLERS-DANLOS SYNDROME, TYPE VIA; PLOD1-Related Kyphoscoliotic Ehlers-Danlos Syndrome. Identifiers: Orphanet 1900, MedGen C0268342, MONDO:0016002, OMIM 225400. Disease mechanism: loss of function.

Submission:

Labcorp Genetics (formerly Invitae), Labcorp
Classification: Uncertain significance for Ehlers-Danlos syndrome, kyphoscoliotic type 1. Last evaluated: 2023-11-24. Review status: criteria provided, single submitter. Criteria: Invitae Variant Classification Sherloc (09022015). Collection method: clinical testing. Allele origin: germline.
Comment: This sequence change replaces proline, which is neutral and non-polar, with alanine, which is neutral and non-polar, at codon 553 of the PLOD1 protein (p.Pro553Ala). This variant is not present in population databases (gnomAD no frequency). This variant has not been reported in the literature in individuals affected with PLOD1-related conditions. Advanced modeling of protein sequence and biophysical properties (such as structural, functional, and spatial information, amino acid conservation, physicochemical variation, residue mobility, and thermodynamic stability) performed at Invitae indicates that this missense variant is expected to disrupt PLOD1 protein function with a positive predictive value of 80%. In summary, the available evidence is currently insufficient to determine the role of this variant in disease. Therefore, it has been classified as a Variant of Uncertain Significance.